The following is an entry in ClinVar:

NM_031942.5(CDCA7):c.571A>G (p.Met191Val)

Gene: CDCA7 (cell division cycle associated 7; plus strand). Cytogenetic location: 2q31.1.
Variant type: single nucleotide variant.
Coding change: c.571A>G on transcript NM_031942.5 (MANE Select); coding-DNA position 571, A replaced by G.
Protein change: p.Met191Val; replaces methionine 191 with valine.
Molecular consequence: missense variant.
Genome position (GRCh38, 1-based): chr2:173,363,412, A>G. VCF-style: chr2-173363412-A-G. GRCh37 (hg19) VCF-style: chr2-174228140-A-G.
Other names: c.334A>G, p.Met112Val (NM_145810.3); c.571A>G (NM_031942.4); short protein forms M112V, M191V.
Identifiers: ClinVar variation 1465336 (VCV001465336.7), dbSNP rs776926131, ClinGen allele CA1971264.

ClinVar aggregate classification (germline): Uncertain significance. Review status: criteria provided, multiple submitters, no conflicts (2 of 4 stars). 2 submissions from 2 submitters: Uncertain significance (2). Last evaluated 2024-09-11.

Allele frequency attached by ClinVar (database versions not stated): gnomAD 0.00001; gnomAD exomes 0.00001 and 0.00003; TOPMed 0.00002; ExAC 0.00004.

Submissions (2):

Ambry Genetics
Classification: Uncertain significance. Last evaluated: 2024-09-11. Review status: criteria provided, single submitter. Criteria: Ambry Variant Classification Scheme 2023. Collection method: clinical testing. Allele origin: germline.

Labcorp Genetics (formerly Invitae), Labcorp
Classification: Uncertain significance. Last evaluated: 2021-08-27. Review status: criteria provided, single submitter. Criteria: Invitae Variant Classification Sherloc (09022015). Collection method: clinical testing. Allele origin: germline.
Comment: This sequence change replaces methionine with valine at codon 191 of the CDCA7 protein (p.Met191Val). The methionine residue is moderately conserved and there is a small physicochemical difference between methionine and valine. This variant is present in population databases (rs776926131, ExAC 0.008%). This variant has not been reported in the literature in individuals affected with CDCA7-related conditions. Algorithms developed to predict the effect of missense changes on protein structure and function output the following: SIFT: "Tolerated"; PolyPhen-2: "Benign"; Align-GVGD: "Class C0". The valine amino acid residue is found in multiple mammalian species, which suggests that this missense change does not adversely affect protein function. In summary, the available evidence is currently insufficient to determine the role of this variant in disease. Therefore, it has been classified as a Variant of Uncertain Significance.